The following is an entry in ClinVar:

ClinVar aggregate classification (germline): Likely pathogenic (1 of 4 stars; one submission).

Conditions:
Hermansky-Pudlak syndrome (HPS). Also called: ALBINISM WITH HEMORRHAGIC DIATHESIS AND PIGMENTED RETICULOENDOTHELIAL CELLS. Identifiers: Orphanet 79430, MedGen C0079504, MONDO:0019312.

Submission:

Women's Health and Genetics/Laboratory Corporation of America, LabCorp
Classification: Likely pathogenic for Hermansky-Pudlak syndrome. Last evaluated: 2023-02-20. Review status: criteria provided, single submitter. Criteria: LabCorp Variant Classification Summary - May 2015. Collection method: clinical testing. Allele origin: germline.
Comment: Variant summary: HPS6 c.368delG (p.Gly123AlafsX104) results in a premature termination codon, predicted to cause a truncation of the encoded protein or absence of the protein due to nonsense mediated decay, which are commonly known mechanisms for disease. Truncations downstream of this position are classified as pathogenic in ClinVar and reported in association with Hermansky-Pudlak syndrome in HGMD. The variant was absent in 115304 control chromosomes. To our knowledge, no occurrence of c.368delG in individuals affected with Hermansky-Pudlak Syndrome and no experimental evidence demonstrating its impact on protein function have been reported. No submitters have provided clinical-significance assessments for this variant to ClinVar after 2014. Based on the evidence outlined above, the variant was classified as likely pathogenic.

NM_024747.6(HPS6):c.368del (p.Gly123fs)

Gene: HPS6 (HPS6 biogenesis of lysosomal organelles complex 2 subunit 3; plus strand). Cytogenetic location: 10q24.32.
Variant type: Deletion.
Coding change: c.368del on transcript NM_024747.6 (MANE Select); coding-DNA position 368, one base deleted (G; older notation c.368delG).
Protein change: p.Gly123fs; shifts the reading frame from glycine 123.
Molecular consequence: frameshift variant.
Genome position (GRCh38, 1-based): chr10:102,065,842, G deleted; the last of 3 consecutive G bases (chr10:102,065,840-102,065,842); deleting any one gives the same sequence. VCF-style (leftmost placement, unchanged base first): chr10-102065839-CG-C. GRCh37 (hg19) VCF-style: chr10-103825596-CG-C.
Other names: short protein forms G123fs.
Identifiers: ClinVar variation 2445928 (VCV002445928.1), dbSNP rs2067964335, ClinGen allele CA1932501626.
Genomic context (GRCh38, chr10:102,065,839, plus strand): 5'-AGGTGTGGGGCGCGGGCGTGGGGCCTGGCTGGCGGCCGCTGCAGAGCACCGAGCTGTGTC[CG>C]GGCGGGGGAGCCCGCGTTGTGGCAGTGGCGGCGCTCCGAGGCCGCCTGGTGTGGTGCGAG-3'